The following is an entry in ClinVar:

NM_201548.5(CERKL):c.662T>C (p.Leu221Pro)

Gene: CERKL (CERK like autophagy regulator; minus strand). Cytogenetic location: 2q31.3.
Variant type: single nucleotide variant.
Coding change: c.662T>C on transcript NM_201548.5 (MANE Select); coding-DNA position 662, T replaced by C.
Protein change: p.Leu221Pro; replaces leucine 221 with proline.
Molecular consequence: missense variant. On other transcripts: intron variant (2).
Genome position (GRCh38, 1-based): chr2:181,566,073, A>G on the plus strand (T>C on the coding strand, the complement: CERKL is on the minus strand). VCF-style: chr2-181566073-A-G. GRCh37 (hg19) VCF-style: chr2-182430800-A-G.
Other names: c.662T>C, p.Leu221Pro (NM_001030311.3); c.530T>C, p.Leu177Pro (NM_001160277.2); c.482-16365T>C (NM_001030312.3); c.613+7680T>C (NM_001030313.3); c.662T>C (NM_001030311.2); short protein forms L177P, L221P.
Identifiers: ClinVar variation 1008037 (VCV001008037.9), dbSNP rs1688652886, ClinGen allele CA349742907.

ClinVar aggregate classification (germline): Uncertain significance. Review status: criteria provided, single submitter (1 of 4 stars). 2 submissions from 2 submitters: Uncertain significance (1). 1 of the submissions does not count toward it. Last evaluated 2022-10-18.

Conditions:
Retinitis pigmentosa 26 (RP26). Identifiers: Orphanet 791, MedGen C1842127, MONDO:0012024, OMIM 608380.

Submissions (2):

Labcorp Genetics (formerly Invitae), Labcorp
Classification: Uncertain significance. Last evaluated: 2022-10-18. Review status: criteria provided, single submitter. Criteria: Invitae Variant Classification Sherloc (09022015). Collection method: clinical testing. Allele origin: germline.
Comment: This sequence change replaces leucine, which is neutral and non-polar, with proline, which is neutral and non-polar, at codon 221 of the CERKL protein (p.Leu221Pro). This variant is not present in population databases (gnomAD no frequency). This variant has not been reported in the literature in individuals affected with CERKL-related conditions. ClinVar contains an entry for this variant (Variation ID: 1008037). Advanced modeling of protein sequence and biophysical properties (such as structural, functional, and spatial information, amino acid conservation, physicochemical variation, residue mobility, and thermodynamic stability) has been performed at Invitae for this missense variant, however the output from this modeling did not meet the statistical confidence thresholds required to predict the impact of this variant on CERKL protein function. In summary, the available evidence is currently insufficient to determine the role of this variant in disease. Therefore, it has been classified as a Variant of Uncertain Significance.

Natera, Inc.
Classification: Uncertain significance for Retinitis Pigmentosa 26. Last evaluated: 2025-04-22. Review status: no assertion criteria provided. Collection method: clinical testing. Allele origin: germline. Not counted in ClinVar's aggregate classification.